The following is an entry in ClinVar:

NM_015087.5(SPART):c.1439C>T (p.Ala480Val)

Gene: SPART (spartin; minus strand). Cytogenetic location: 13q13.3.
Variant type: single nucleotide variant.
Coding change: c.1439C>T on transcript NM_015087.5 (MANE Select); coding-DNA position 1439, C replaced by T.
Protein change: p.Ala480Val; replaces alanine 480 with valine.
Molecular consequence: missense variant.
Genome position (GRCh38, 1-based): chr13:36,314,271, G>A on the plus strand (C>T on the coding strand, the complement: SPART is on the minus strand). VCF-style: chr13-36314271-G-A. GRCh37 (hg19) VCF-style: chr13-36888408-G-A.
Other names: c.1439C>T, p.Ala480Val (NM_001142294.2, NM_001142295.2, NM_001142296.2); short protein forms A480V.
Identifiers: ClinVar variation 654834 (VCV000654834.6), dbSNP rs750885553, ClinGen allele CA6949392.

ClinVar aggregate classification (germline): Conflicting classifications of pathogenicity. Review status: criteria provided, conflicting classifications (1 of 4 stars). 2 submissions from 2 submitters: Uncertain significance (1); Likely benign (1). Last evaluated 2023-10-05.

Conditions:
Inborn genetic diseases. Identifiers: MedGen C0950123, MeSH D030342.

Allele frequency attached by ClinVar (database versions not stated): gnomAD 0.00007; ExAC 0.00011; TOPMed 0.00012; gnomAD exomes 0.00014.
gnomAD v4.1: 71 of 1,613,896 alleles (0.0044%); highest among the groups gnomAD compares: East Asian, 0.087%; no homozygotes.

Submissions (2):

Ambry Genetics
Classification: Likely benign for Inborn genetic diseases. Last evaluated: 2023-10-05. Review status: criteria provided, single submitter. Criteria: Ambry Variant Classification Scheme 2023. Collection method: clinical testing. Allele origin: germline.

Labcorp Genetics (formerly Invitae), Labcorp
Classification: Uncertain significance. Last evaluated: 2021-08-31. Review status: criteria provided, single submitter. Criteria: Invitae Variant Classification Sherloc (09022015). Collection method: clinical testing. Allele origin: germline.
Comment: This sequence change replaces alanine with valine at codon 480 of the SPART protein (p.Ala480Val). The alanine residue is highly conserved and there is a small physicochemical difference between alanine and valine. This variant is present in population databases (rs750885553, ExAC 0.1%). This variant has not been reported in the literature in individuals affected with SPART-related conditions. Algorithms developed to predict the effect of missense changes on protein structure and function are either unavailable or do not agree on the potential impact of this missense change (SIFT: "Tolerated"; PolyPhen-2: "Possibly Damaging"; Align-GVGD: "Class C0"). In summary, the available evidence is currently insufficient to determine the role of this variant in disease. Therefore, it has been classified as a Variant of Uncertain Significance.